The following is an entry in ClinVar:

NM_000760.4(CSF3R):c.998-2A>T

Gene: CSF3R (colony stimulating factor 3 receptor; minus strand). Cytogenetic location: 1p34.3.
Variant type: single nucleotide variant.
Coding change: c.998-2A>T on transcript NM_000760.4 (MANE Select); the canonical splice acceptor site of the intron before coding-DNA position 998, A replaced by T.
Molecular consequence: splice acceptor variant.
Genome position (GRCh38, 1-based): chr1:36,472,141, T>A on the plus strand (A>T on the coding strand, the complement: CSF3R is on the minus strand). VCF-style: chr1-36472141-T-A. GRCh37 (hg19) VCF-style: chr1-36937742-T-A.
Other names: IVS8AS, A-T, -2; c.998-2A>T (NM_156039.3, NM_172313.3).
Identifiers: ClinVar variation 242835 (VCV000242835.11), dbSNP rs879253750, ClinGen allele CA10584003.

ClinVar aggregate classification (germline): Likely pathogenic. Review status: criteria provided, multiple submitters, no conflicts (2 of 4 stars). 3 submissions from 3 submitters: Likely pathogenic (2). 1 of the submissions does not count toward it. Last evaluated 2024-10-21.

Conditions:
CSF3R-Related Disorders.
Autosomal recessive severe congenital neutropenia due to CSF3R deficiency. Also called: Neutropenia, severe congenital, 7, autosomal recessive. Identifiers: Orphanet 420702, MedGen C4310764, MONDO:0014865, OMIM 617014.

Submissions (3):

Blueprint Genetics
Classification: Likely pathogenic for CSF3R-related disorders. Last evaluated: 2024-10-21. Review status: criteria provided, single submitter. Criteria: ACMG Guidelines, 2015. Collection method: clinical testing. Allele origin: germline. Affected: yes. Observed: 1 variant allele.

Labcorp Genetics (formerly Invitae), Labcorp
Classification: Likely pathogenic for Autosomal recessive severe congenital neutropenia due to CSF3R deficiency. Last evaluated: 2018-02-15. Review status: criteria provided, single submitter. Criteria: Invitae Variant Classification Sherloc (09022015). Collection method: clinical testing. Allele origin: germline.
Comment: Donor and acceptor splice site variants typically lead to a loss of protein function (PMID: 16199547), and loss-of-function variants in CSF3R are known to be pathogenic (PMID: 24753537, 26324699). In summary, the currently available evidence indicates that the variant is pathogenic, but additional data are needed to prove that conclusively. Therefore, this variant has been classified as Likely Pathogenic. This variant has been observed on the opposite chromosome (in trans) from a pathogenic variant in an individual affected with severe congenital neutropenia (PMID: 26324699). This finding is consistent with autosomal recessive inheritance, and suggests that this variant contributes to disease. ClinVar contains an entry for this variant (Variation ID: 242835). This variant is not present in population databases (ExAC no frequency). This sequence change affects an acceptor splice site in intron 8 of the CSF3R gene. It is expected to disrupt RNA splicing and likely results in an absent or disrupted protein product.

OMIM
Classification: Pathogenic for NEUTROPENIA, SEVERE CONGENITAL, 7, AUTOSOMAL RECESSIVE. Last evaluated: 2016-07-05. Review status: no assertion criteria provided. Collection method: literature only. Allele origin: germline. Not counted in ClinVar's aggregate classification.

Literature cited by the submitters: PubMed 16199547 (cited by Labcorp Genetics (formerly Invitae), Labcorp); PubMed 24753537 (cited by Labcorp Genetics (formerly Invitae), Labcorp); PubMed 26324699 (cited by Labcorp Genetics (formerly Invitae), Labcorp and OMIM).